The following is an entry in ClinVar:

ClinVar aggregate classification (germline): Uncertain significance (1 of 4 stars; one submission).

Submission:

GeneDx
Classification: Uncertain significance. Last evaluated: 2025-02-06. Review status: criteria provided, single submitter. Criteria: GeneDx Variant Classification Process June 2021. Collection method: clinical testing. Allele origin: germline. Affected: yes.
Comment: Not observed at significant frequency in large population cohorts (gnomAD); In silico analysis indicates that this missense variant does not alter protein structure/function; Has not been previously published as pathogenic or benign to our knowledge

NM_004385.5(VCAN):c.4050A>T (p.Glu1350Asp)

Genes: VCAN (versican; plus strand), VCAN-AS1 (VCAN antisense RNA 1; minus strand). Cytogenetic location: 5q14.3.
Variant type: single nucleotide variant.
Coding change: c.4050A>T on transcript NM_004385.5 (MANE Select); coding-DNA position 4050, A replaced by T.
Protein change: p.Glu1350Asp; replaces glutamic acid 1350 with aspartic acid.
Molecular consequence: missense variant. On other transcripts: intron variant (2).
Genome position (GRCh38, 1-based): chr5:83,537,053, A>T. VCF-style: chr5-83537053-A-T. GRCh37 (hg19) VCF-style: chr5-82832872-A-T.
Other names: c.1089A>T, p.Glu363Asp (NM_001164097.2); c.4004-8484A>T (NM_001164098.2); c.1043-8484A>T (NM_001126336.3); short protein forms E1350D, E363D.
Identifiers: ClinVar variation 4074471 (VCV004074471.1).